The following is an entry in ClinVar:

NM_018117.12(WDR11):c.3571G>A (p.Gly1191Ser)

Gene: WDR11 (WD repeat domain 11; plus strand). Cytogenetic location: 10q26.12.
Variant type: single nucleotide variant.
Coding change: c.3571G>A on transcript NM_018117.12 (MANE Select); coding-DNA position 3571, G replaced by A.
Protein change: p.Gly1191Ser; replaces glycine 1191 with serine.
Molecular consequence: missense variant.
Genome position (GRCh38, 1-based): chr10:120,908,609, G>A. VCF-style: chr10-120908609-G-A. GRCh37 (hg19) VCF-style: chr10-122668121-G-A.
Other names: short protein forms G1191S.
Identifiers: ClinVar variation 2672168 (VCV002672168.1), dbSNP rs149486212, ClinGen allele CA5720385.

ClinVar aggregate classification (germline): Uncertain significance (1 of 4 stars; one submission).

Allele frequency attached by ClinVar (database versions not stated): ExAC 0.00012; gnomAD exomes 0.00013; gnomAD 0.00017; TOPMed 0.00023; ESP Exome Variant Server 0.00031.

Submission:

Clinical Genomics Laboratory, Washington University in St. Louis
Classification: Uncertain significance. Last evaluated: 2023-10-23. Review status: criteria provided, single submitter. Criteria: ACMG Guidelines, 2015. Collection method: clinical testing. Allele origin: germline.
Comment: The WDR11 c.3571G>A (p.Gly1191Ser) variant, to our knowledge, has not been reported in the medical literature. The highest population minor allele frequency in the population database genome aggregation database (v.2.1.1) is 0.135% in Ashkenazi Jewish population. Computational predictors indicate that the variant is damaging, evidence that correlates with impact to WDR11 function. Due to limited information, the clinical significance of this variant is uncertain.